The following is an entry in ClinVar:

ClinVar aggregate classification (germline): Uncertain significance (1 of 4 stars; one submission).

Submission:

Ambry Genetics
Classification: Uncertain significance. Last evaluated: 2022-04-12. Review status: criteria provided, single submitter. Criteria: Ambry Variant Classification Scheme 2023. Collection method: clinical testing. Allele origin: germline.
Comment: The p.K186R variant (also known as c.557A>G), located in coding exon 1 of the TERF2IP gene, results from an A to G substitution at nucleotide position 557. The lysine at codon 186 is replaced by arginine, an amino acid with highly similar properties. This amino acid position is conserved. In addition, the in silico prediction for this alteration is inconclusive. Since supporting evidence is limited at this time, the clinical significance of this alteration remains unclear.

NM_018975.4(TERF2IP):c.557A>G (p.Lys186Arg)

Gene: TERF2IP (TERF2 interacting protein; plus strand). Cytogenetic location: 16q23.1.
Variant type: single nucleotide variant.
Coding change: c.557A>G on transcript NM_018975.4 (MANE Select); coding-DNA position 557, A replaced by G.
Protein change: p.Lys186Arg; replaces lysine 186 with arginine.
Molecular consequence: missense variant. On other transcripts: non-coding transcript variant (1).
Genome position (GRCh38, 1-based): chr16:75,648,439, A>G. VCF-style: chr16-75648439-A-G. GRCh37 (hg19) VCF-style: chr16-75682337-A-G.
Other names: short protein forms K186R.
Identifiers: ClinVar variation 1748405 (VCV001748405.2), dbSNP rs2507074771, ClinGen allele CA396818163.